The following is an entry in ClinVar:

ClinVar aggregate classification (germline): Uncertain significance (1 of 4 stars; one submission).

Allele frequency attached by ClinVar (database versions not stated): gnomAD exomes below 0.00001; ExAC 0.00001.
gnomAD v4.1: 6 of 1,613,356 alleles (0.00037%); highest among the groups gnomAD compares: Non-Finnish European, 0.00051%; no homozygotes.

Submission:

Labcorp Genetics (formerly Invitae), Labcorp
Classification: Uncertain significance. Last evaluated: 2021-06-24. Review status: criteria provided, single submitter. Criteria: Invitae Variant Classification Sherloc (09022015). Collection method: clinical testing. Allele origin: germline.
Comment: This sequence change replaces threonine with alanine at codon 1670 of the HTT protein (p.Thr1670Ala). The threonine residue is highly conserved and there is a small physicochemical difference between threonine and alanine. This variant is present in population databases (rs759741560, ExAC 0.001%). In summary, the available evidence is currently insufficient to determine the role of this variant in disease. Therefore, it has been classified as a Variant of Uncertain Significance. Experimental studies and prediction algorithms are not available or were not evaluated, and the functional significance of this variant is currently unknown. This variant has not been reported in the literature in individuals with HTT-related conditions.

NM_001388492.1(HTT):c.5002A>G (p.Thr1668Ala)

Gene: HTT (huntingtin; plus strand). Cytogenetic location: 4p16.3.
Variant type: single nucleotide variant.
Coding change: c.5002A>G on transcript NM_001388492.1 (MANE Select); coding-DNA position 5002, A replaced by G.
Protein change: p.Thr1668Ala; replaces threonine 1668 with alanine.
Molecular consequence: missense variant.
Genome position (GRCh38, 1-based): chr4:3,187,663, A>G. VCF-style: chr4-3187663-A-G. GRCh37 (hg19) VCF-style: chr4-3189390-A-G.
Other names: c.5008A>G, p.Thr1670Ala (NM_002111.8); short protein forms T1670A, T1668A.
Identifiers: ClinVar variation 1357591 (VCV001357591.6), dbSNP rs759741560, ClinGen allele CA2824616.